The following is an entry in ClinVar:

ClinVar aggregate classification (germline): Conflicting classifications of pathogenicity. Review status: criteria provided, conflicting classifications (1 of 4 stars). 4 submissions from 4 submitters: Uncertain significance (3); Likely benign (1). Last evaluated 2025-02-09.

Conditions:
Pancreatic cancer, susceptibility to, 2. Identifiers: Orphanet 1333, MedGen C3150546, MONDO:0013235, OMIM 613347.
Hereditary cancer-predisposing syndrome. Also called: Neoplastic Syndromes, Hereditary; Tumor predisposition; Hereditary Cancer Syndrome; Hereditary neoplastic syndrome. Identifiers: Orphanet 140162, MedGen C0027672, MeSH D009386, MONDO:0015356.
Hereditary breast ovarian cancer syndrome. Also called: Hereditary breast and ovarian cancer syndrome; BRCA1- and BRCA2-Associated Hereditary Breast and Ovarian Cancer; Breast and ovarian cancer; Hereditary breast and/or ovarian cancer syndrome; Hereditary breast and ovarian cancer; Hereditary breast and ovarian cancer syndrome (HBOC). Identifiers: Orphanet 145, MedGen C0677776, MeSH D061325, MONDO:0003582. Disease mechanism: loss of function.

Allele frequency attached by ClinVar (database versions not stated): gnomAD 0.00001; TOPMed 0.00001.
gnomAD v4.1: 1 of 1,613,458 alleles (0.000062%); highest among the groups gnomAD compares: Non-Finnish European, 0.000085%; no homozygotes.

Submissions (4):

Labcorp Genetics (formerly Invitae), Labcorp
Classification: Uncertain significance for Hereditary breast ovarian cancer syndrome. Last evaluated: 2025-02-09. Review status: criteria provided, single submitter. Criteria: Invitae Variant Classification Sherloc (09022015). Collection method: clinical testing. Allele origin: germline.
Comment: This sequence change replaces aspartic acid, which is acidic and polar, with asparagine, which is neutral and polar, at codon 1484 of the BRCA2 protein (p.Asp1484Asn). This variant is present in population databases (no rsID available, gnomAD 0.007%). This variant has not been reported in the literature in individuals affected with BRCA2-related conditions. ClinVar contains an entry for this variant (Variation ID: 232914). Invitae Evidence Modeling of protein sequence and biophysical properties (such as structural, functional, and spatial information, amino acid conservation, physicochemical variation, residue mobility, and thermodynamic stability) indicates that this missense variant is not expected to disrupt BRCA2 protein function with a negative predictive value of 95%. In summary, the available evidence is currently insufficient to determine the role of this variant in disease. Therefore, it has been classified as a Variant of Uncertain Significance.

University of Washington Department of Laboratory Medicine, University of Washington
Classification: Likely benign for Hereditary cancer-predisposing syndrome. Last evaluated: 2023-03-23. Review status: criteria provided, single submitter. Criteria: Dines et al. (Genet Med. 2020). Collection method: curation. Allele origin: germline.
Comment: Missense variant in a coldspot region where missense variants are very unlikely to be pathogenic (PMID:31911673).

BRCA2 exon 11 coldspot. Reclassification based on statistical prior probability.

Department of Pathology and Laboratory Medicine, Sinai Health System
Classification: Uncertain significance for Pancreatic cancer, susceptibility to, 2. Last evaluated: 2022-09-06. Review status: criteria provided, single submitter. Criteria: ACMG Guidelines, 2015. Collection method: clinical testing. Allele origin: germline. Affected: yes.

Ambry Genetics
Classification: Uncertain significance for Hereditary cancer-predisposing syndrome. Last evaluated: 2015-07-14. Review status: criteria provided, single submitter. Criteria: Ambry Variant Classification Scheme 2023. Collection method: clinical testing. Allele origin: germline.
Comment: The p.D1484N variant (also known as c.4450G>A and 4678G>A), located in coding exon 10 of the BRCA2 gene, results from a G to A substitution at nucleotide position 4450. The aspartic acid at codon 1484 is replaced by asparagine, an amino acid with highly similar properties. This variant was not reported in population based cohorts in the following databases: Database of Single Nucleotide Polymorphisms (dbSNP), NHLBI Exome Sequencing Project (ESP), and 1000 Genomes Project. In the ESP, this variant was not observed in 6498 samples (12996 alleles) with coverage at this position. To date, this alteration has been detected with an allele frequency of approximately 0.001% (greater than 150,000 alleles tested) in our clinical cohort. This amino acid position is poorly conserved in available vertebrate species, and asparagine is the reference amino acid in multiple species. In addition, this alteration is predicted to be tolerated by in silico analysis. Since supporting evidence is limited at this time, the clinical significance of p.D1484N remains unclear.

NM_000059.4(BRCA2):c.4450G>A (p.Asp1484Asn)

Gene: BRCA2 (BRCA2 DNA repair associated; plus strand). Cytogenetic location: 13q13.1.
Variant type: single nucleotide variant.
Coding change: c.4450G>A on transcript NM_000059.4 (MANE Select); coding-DNA position 4450, G replaced by A.
Protein change: p.Asp1484Asn; replaces aspartic acid 1484 with asparagine.
Molecular consequence: missense variant.
Genome position (GRCh38, 1-based): chr13:32,338,805, G>A. VCF-style: chr13-32338805-G-A. GRCh37 (hg19) VCF-style: chr13-32912942-G-A.
Other names: short protein forms D1484N.
Identifiers: ClinVar variation 232914 (VCV000232914.16), dbSNP rs876660070, ClinGen allele CA10579617.